The following is an entry in ClinVar:

NM_207391.3(RGS9BP):c.356G>A (p.Gly119Asp)

Gene: RGS9BP (regulator of G protein signaling 9 binding protein; plus strand). Cytogenetic location: 19q13.11.
Variant type: single nucleotide variant.
Coding change: c.356G>A on transcript NM_207391.3 (MANE Select); coding-DNA position 356, G replaced by A.
Protein change: p.Gly119Asp; replaces glycine 119 with aspartic acid.
Molecular consequence: missense variant.
Genome position (GRCh38, 1-based): chr19:32,676,619, G>A. VCF-style: chr19-32676619-G-A. GRCh37 (hg19) VCF-style: chr19-33167525-G-A.
Other names: c.356G>A (NM_207391.2); short protein forms G119D.
Identifiers: ClinVar variation 1921187 (VCV001921187.6), dbSNP rs1968007198, ClinGen allele CA405186508.
Genomic context (GRCh38, chr19:32,676,619, plus strand): 5'-TGGGCGCCGCGTTCCCGCTGCACGCGCCGCGGCGGCCGCTGGTGCGCACAGGTGTGGCTG[G>A]CGCCTCCTCCGGCGTGGCGGCGCGCGCGCTGAGCACCCGCAGCCTGCGGCTCGAGGCGGA-3'
Protein context (NP_997274.2, residues 109-129): RRPLVRTGVA[Gly119Asp]ASSGVAARAL

ClinVar aggregate classification (germline): Uncertain significance. Review status: criteria provided, multiple submitters, no conflicts (2 of 4 stars). 2 submissions from 2 submitters: Uncertain significance (2). Last evaluated 2025-01-20.

Submissions (2):

Ambry Genetics
Classification: Uncertain significance. Last evaluated: 2025-01-20. Review status: criteria provided, single submitter. Criteria: Ambry Variant Classification Scheme 2023. Collection method: clinical testing. Allele origin: germline.

Labcorp Genetics (formerly Invitae), Labcorp
Classification: Uncertain significance. Last evaluated: 2022-08-23. Review status: criteria provided, single submitter. Criteria: Invitae Variant Classification Sherloc (09022015). Collection method: clinical testing. Allele origin: germline.
Comment: In summary, the available evidence is currently insufficient to determine the role of this variant in disease. Therefore, it has been classified as a Variant of Uncertain Significance. Algorithms developed to predict the effect of missense changes on protein structure and function are either unavailable or do not agree on the potential impact of this missense change (SIFT: "Deleterious"; PolyPhen-2: "Probably Damaging"; Align-GVGD: "Class C0"). This variant has not been reported in the literature in individuals affected with RGS9BP-related conditions. This variant is not present in population databases (gnomAD no frequency). This sequence change replaces glycine, which is neutral and non-polar, with aspartic acid, which is acidic and polar, at codon 119 of the RGS9BP protein (p.Gly119Asp).